The following is an entry in ClinVar:

NM_000240.4(MAOA):c.256A>G (p.Ile86Val)

Gene: MAOA (monoamine oxidase A; plus strand). Cytogenetic location: Xp11.3.
Variant type: single nucleotide variant.
Coding change: c.256A>G on transcript NM_000240.4 (MANE Select); coding-DNA position 256, A replaced by G.
Protein change: p.Ile86Val; replaces isoleucine 86 with valine.
Molecular consequence: missense variant. On other transcripts: 5 prime UTR variant (1).
Genome position (GRCh38, 1-based): chrX:43,693,378, A>G. VCF-style: chrX-43693378-A-G. GRCh37 (hg19) VCF-style: chrX-43552625-A-G.
Other names: c.-144A>G (NM_001270458.2); short protein forms I86V.
Identifiers: ClinVar variation 2499718 (VCV002499718.2), dbSNP rs780148935, ClinGen allele CA413004649.
Genomic context (GRCh38, chrX:43,693,378, plus strand): 5'-GGTGGAGCTTATGTGGGACCAACCCAAAACAGAATCTTACGCTTGTCTAAGGAGCTGGGC[A>G]TAGAGACTTACAAAGTGAATGTCAGTGAGCGTCTCGTTCAATATGTCAAGGTAAGGCTGA-3'
Protein context (NP_000231.1, residues 76-96): RILRLSKELG[Ile86Val]ETYKVNVSER

ClinVar aggregate classification (germline): Uncertain significance (1 of 4 stars; one submission).

gnomAD v4.1: 2 of 1,209,448 alleles (0.00017%); highest among the groups gnomAD compares: Non-Finnish European, 0.00022%; no homozygotes.

Submission:

GeneDx
Classification: Uncertain significance. Last evaluated: 2025-05-16. Review status: criteria provided, single submitter. Criteria: GeneDx Variant Classification Process June 2021. Collection method: clinical testing. Allele origin: germline.
Comment: Not observed at significant frequency in large population cohorts (gnomAD); In silico analysis suggests that this missense variant does not alter protein structure/function; Has not been previously published as pathogenic or benign to our knowledge